The following is an entry in ClinVar:

NM_004366.6(CLCN2):c.2136_2137del (p.Pro713fs)

Gene: CLCN2 (chloride voltage-gated channel 2; minus strand). Cytogenetic location: 3q27.1.
Variant type: Deletion.
Coding change: c.2136_2137del on transcript NM_004366.6 (MANE Select); coding-DNA positions 2136 to 2137, 2 bases deleted (TC; older notation c.2136_2137delTC).
Protein change: p.Pro713fs; shifts the reading frame from proline 713.
Molecular consequence: frameshift variant.
Genome position (GRCh38, 1-based): chr3:184,353,039-184,353,040, GA deleted on the plus strand (TC on the coding strand, the reverse complement: CLCN2 is on the minus strand). VCF-style (leftmost placement, unchanged base first): chr3-184353038-GGA-G. GRCh37 (hg19) VCF-style: chr3-184070826-GGA-G.
Other names: c.2085_2086del, p.Pro696fs (NM_001171087.3); c.2004_2005del, p.Pro669fs (NM_001171088.3); c.2136_2137del, p.Pro713fs (NM_001171089.3); short protein forms P669fs, P713fs, P696fs.
Identifiers: ClinVar variation 863631 (VCV000863631.6), dbSNP rs1560255987, ClinGen allele CA437166466.
Genomic context (GRCh38, chr3:184,353,038, plus strand): 5'-AATGGATCTCAGTAGCTTGGCTGAGGCTCTGTGGACACAGGAGACATGGGCTTACCTGTG[GGA>G]CTCTCTCCGAGGTTCCTGGTGACACTGGGCCCCCTCTTGAGTGCAGGCTTTAGGGGCTTG-3'

ClinVar aggregate classification (germline): Pathogenic (1 of 4 stars; one submission).

Allele frequency attached by ClinVar (database versions not stated): gnomAD exomes below 0.00001.

Submission:

Labcorp Genetics (formerly Invitae), Labcorp
Classification: Pathogenic. Last evaluated: 2020-04-08. Review status: criteria provided, single submitter. Criteria: Invitae Variant Classification Sherloc (09022015). Collection method: clinical testing. Allele origin: germline.
Comment: Loss-of-function variants in CLCN2 are known to be pathogenic (PMID: 23707145). This variant is not present in population databases (ExAC no frequency). This variant has not been reported in the literature in individuals with CLCN2-related disease. This sequence change creates a premature translational stop signal (p.Pro713Hisfs*22) in the CLCN2 gene. It is expected to result in an absent or disrupted protein product. For these reasons, this variant has been classified as Pathogenic.

Literature cited by the submitters: PubMed 23707145.